The following is an entry in ClinVar:

NM_001375.3(DNASE2):c.941G>A (p.Arg314Gln)

Gene: DNASE2 (deoxyribonuclease 2, lysosomal; minus strand). Cytogenetic location: 19p13.13.
Variant type: single nucleotide variant.
Coding change: c.941G>A on transcript NM_001375.3 (MANE Select); coding-DNA position 941, G replaced by A.
Protein change: p.Arg314Gln; replaces arginine 314 with glutamine.
Molecular consequence: missense variant.
Genome position (GRCh38, 1-based): chr19:12,876,132, C>T on the plus strand (G>A on the coding strand, the complement: DNASE2 is on the minus strand). VCF-style: chr19-12876132-C-T. GRCh37 (hg19) VCF-style: chr19-12986946-C-T.
Other names: short protein forms R314Q.
Identifiers: ClinVar variation 1348580 (VCV001348580.5), dbSNP rs1061192, ClinGen allele CA404295692.

ClinVar aggregate classification (germline): Uncertain significance (1 of 4 stars; one submission).

Allele frequency attached by ClinVar (database versions not stated): gnomAD exomes below 0.00001 and 0.00001; TOPMed 0.00001.
gnomAD v4.1: 18 of 1,614,200 alleles (0.0011%); highest among the groups gnomAD compares: African/African-American, 0.0027%; no homozygotes.

Submission:

Labcorp Genetics (formerly Invitae), Labcorp
Classification: Uncertain significance. Last evaluated: 2021-12-08. Review status: criteria provided, single submitter. Criteria: Invitae Variant Classification Sherloc (09022015). Collection method: clinical testing. Allele origin: germline.
Comment: In summary, the available evidence is currently insufficient to determine the role of this variant in disease. Therefore, it has been classified as a Variant of Uncertain Significance. Algorithms developed to predict the effect of missense changes on protein structure and function (SIFT, PolyPhen-2, Align-GVGD) all suggest that this variant is likely to be disruptive. This variant has not been reported in the literature in individuals affected with DNASE2-related conditions. This variant is present in population databases (no rsID available, gnomAD 0.0009%). This sequence change replaces arginine, which is basic and polar, with glutamine, which is neutral and polar, at codon 314 of the DNASE2 protein (p.Arg314Gln).